The following is an entry in ClinVar:

ClinVar aggregate classification (germline): Uncertain significance (1 of 4 stars; one submission).

Conditions:
ALX4-related disorder. Also called: ALX4-related condition.

Submission:

PreventionGenetics, part of Exact Sciences
Classification: Uncertain significance for ALX4-related condition. Last evaluated: 2026-05-06. Review status: criteria provided, single submitter. Criteria: ACMG Guidelines, 2015. Collection method: clinical testing. Allele origin: germline.
Comment: The ALX4 c.752C>T variant is predicted to result in the amino acid substitution p.Thr251Ile. To our knowledge, this variant has not been reported in the literature or in a large population database (gnomAD), indicating this variant is rare. At this time, the clinical significance of this variant is uncertain due to the absence of conclusive functional and genetic evidence.

NM_021926.4(ALX4):c.752C>T (p.Thr251Ile)

Gene: ALX4 (ALX homeobox 4; minus strand). Cytogenetic location: 11p11.2.
Variant type: single nucleotide variant.
Coding change: c.752C>T on transcript NM_021926.4 (MANE Select); coding-DNA position 752, C replaced by T.
Protein change: p.Thr251Ile; replaces threonine 251 with isoleucine.
Molecular consequence: missense variant.
Genome position (GRCh38, 1-based): chr11:44,275,373, G>A on the plus strand (C>T on the coding strand, the complement: ALX4 is on the minus strand). VCF-style: chr11-44275373-G-A. GRCh37 (hg19) VCF-style: chr11-44296923-G-A.
Other names: short protein forms T251I.
Identifiers: ClinVar variation 4980776 (VCV004980776.1).
Genomic context (GRCh38, chr11:44,275,373, plus strand): 5'-TTTACCAGCCTCACTCCCAGGTGGCCCTCACTGACCTGCACGCGGGCCTCAGTGAGGTCT[G>A]TCCTCATGGCCAGCTGTTCCCGCGCATACACGTCTGGGTAGTGGGTCTTCTGGAAGACCT-3'
Protein context (NP_068745.2, residues 241-261): VYAREQLAMR[Thr251Ile]DLTEARVQVW